The following is an entry in ClinVar:

ClinVar aggregate classification (germline): Uncertain significance (1 of 4 stars; one submission).

Conditions:
Generalized pustular psoriasis. Identifiers: Orphanet 247353, MedGen C0343055, MONDO:0100491.

Allele frequency attached by ClinVar (database versions not stated): ExAC 0.00014; ESP Exome Variant Server 0.00015; gnomAD exomes 0.00021; gnomAD 0.00032 and 0.00034; TOPMed 0.00043; 1000 Genomes Project 0.00060; 1000 Genomes Project 30x 0.00094.
gnomAD v4.1: 126 of 1,614,024 alleles (0.0078%); highest among the groups gnomAD compares: African/African-American, 0.11%; no homozygotes.

Submission:

Labcorp Genetics (formerly Invitae), Labcorp
Classification: Uncertain significance for Generalized pustular psoriasis. Last evaluated: 2022-08-19. Review status: criteria provided, single submitter. Criteria: Invitae Variant Classification Sherloc (09022015). Collection method: clinical testing. Allele origin: germline.
Comment: This sequence change replaces proline, which is neutral and non-polar, with leucine, which is neutral and non-polar, at codon 117 of the IL36RN protein (p.Pro117Leu). This variant is present in population databases (rs141341649, gnomAD 0.1%). This variant has not been reported in the literature in individuals affected with IL36RN-related conditions. ClinVar contains an entry for this variant (Variation ID: 846535). Algorithms developed to predict the effect of missense changes on protein structure and function (SIFT, PolyPhen-2, Align-GVGD) all suggest that this variant is likely to be disruptive. In summary, the available evidence is currently insufficient to determine the role of this variant in disease. Therefore, it has been classified as a Variant of Uncertain Significance.

NM_012275.3(IL36RN):c.350C>T (p.Pro117Leu)

Gene: IL36RN (interleukin 36 receptor antagonist; plus strand). Cytogenetic location: 2q14.1.
Variant type: single nucleotide variant.
Coding change: c.350C>T on transcript NM_012275.3 (MANE Select); coding-DNA position 350, C replaced by T.
Protein change: p.Pro117Leu; replaces proline 117 with leucine.
Molecular consequence: missense variant.
Genome position (GRCh38, 1-based): chr2:113,062,559, C>T. VCF-style: chr2-113062559-C-T. GRCh37 (hg19) VCF-style: chr2-113820136-C-T.
Other names: c.350C>T, p.Pro117Leu (NM_173170.1); short protein forms P117L.
Identifiers: ClinVar variation 846535 (VCV000846535.5), dbSNP rs141341649, ClinGen allele CA1838446.